The following is an entry in ClinVar:

ClinVar aggregate classification (germline): Likely pathogenic (1 of 4 stars; one submission).

Conditions:
Abetalipoproteinaemia (ABL). Also called: Abetalipoproteinemia; Abetalipoproteinemia neuropathy; Apolipoprotein B deficiency; Congenital betalipoprotein deficiency syndrome; MTP DEFICIENCY. Identifiers: Orphanet 14, MedGen C0000744, MONDO:0008692, OMIM 200100, HP:0008181.

Submission:

Myriad Genetics, Inc.
Classification: Likely pathogenic for Abetalipoproteinaemia. Last evaluated: 2022-02-03. Review status: criteria provided, single submitter. Criteria: Myriad Women's Health Autosomal Recessive and X-Linked Classification Criteria (2021). Collection method: clinical testing. Allele origin: unknown.
Comment: NM_000253.2(MTTP):c.363_369del7(R121Sfs*5) is expected to be pathogenic in the context of abetalipoproteinemia. This variant is predicted to lead to an abnormal or absent protein product due to the creation of a premature termination codon in MTTP, a gene where loss-of-function variants are known to be pathogenic. Please note: this variant was assessed in the context of healthy population screening.

NM_001386140.1(MTTP):c.363_369del (p.Arg121fs)

Gene: MTTP (microsomal triglyceride transfer protein; plus strand). Cytogenetic location: 4q23.
Variant type: Deletion.
Coding change: c.363_369del on transcript NM_001386140.1 (MANE Select); coding-DNA positions 363 to 369, 7 bases deleted (ACCTACG; older notation c.363_369delACCTACG).
Protein change: p.Arg121fs; shifts the reading frame from arginine 121.
Molecular consequence: frameshift variant.
Genome position (GRCh38, 1-based): chr4:99,583,487-99,583,493, ACCTACG deleted; deleting any 7 consecutive bases within chr4:99,583,486-99,583,493 gives the same sequence; the c. name uses the placement nearest the transcript's 3' end. VCF-style (leftmost placement, unchanged base first): chr4-99583485-AGACCTAC-A. GRCh37 (hg19) VCF-style: chr4-100504642-AGACCTAC-A.
Other names: c.363_369del, p.Arg121fs (NM_000253.4); c.114_120del, p.Arg38fs (NM_001300785.2); short protein forms R121fs, R38fs.
Identifiers: ClinVar variation 1724277 (VCV001724277.2), dbSNP rs2476090307, ClinGen allele CA2580071899.
Genomic context (GRCh38, chr4:99,583,485, plus strand): 5'-ATCTTCAAAGGAAAAAGCCCATCTAAAATAATGGGAAAGGAAAACTTGGAAGCTCTGCAA[AGACCTAC>A]GCTCCTTCATCTAATCCATGGAAAGGTAAAGGGGCGTTTAGATTCCACAACTTTTTCTCC-3'